The following is an entry in ClinVar:

ClinVar aggregate classification (germline): Conflicting classifications of pathogenicity. Review status: criteria provided, conflicting classifications (1 of 4 stars). 7 submissions from 7 submitters: Pathogenic (2); Likely pathogenic (2); Uncertain significance (2). 1 of the submissions does not count toward it. Last evaluated 2026-07-02.

Conditions:
Nonsyndromic congenital nail disorder 8. Also called: TOENAIL DYSTROPHY, ISOLATED. Identifiers: MedGen C1843761, MONDO:0011852, OMIM 607523.
Recessive dystrophic epidermolysis bullosa (RDEB). Also called: Epidermolysis Bullosa Distrophica Autosomal Recessive (RDEB); severe generalized recessive dystrophic epidermolysis bullosa; epidermolysis bullosa dystrophica, autosomal recessive; Hallopeau-Siemens Disease; DYSTROPHIC EPIDERMOLYSIS BULLOSA, AUTOSOMAL RECESSIVE; EPIDERMOLYSIS BULLOSA DYSTROPHICA, HALLOPEAU-SIEMENS TYPE. Identifiers: Orphanet 79408, Orphanet 79409, MedGen C0079474, MONDO:0009179, OMIM 226600.
Generalized dominant dystrophic epidermolysis bullosa (DDEB). Also called: Dominant DEB (DDEB); DDEB, generalized; DDEB-gen; DYSTROPHIC EPIDERMOLYSIS BULLOSA, AUTOSOMAL DOMINANT; Epidermolysis bullosa dystrophica, autosomal dominant. Identifiers: Orphanet 231568, MedGen C0432322, MONDO:0007549, OMIM 131750.
Epidermolysis bullosa pruriginosa. Also called: DEB, PRURIGINOSA; DYSTROPHIC EPIDERMOLYSIS BULLOSA PRURIGINOSA. Identifiers: Orphanet 89843, MedGen C1275114, MONDO:0011398, OMIM 604129.
Pretibial dystrophic epidermolysis bullosa. Also called: Pretibial blistering; EPIDERMOLYSIS BULLOSA DYSTROPHICA, PRETIBIAL; Pretibial epidermolysis bullosa. Identifiers: Orphanet 79410, MedGen C0432321, MONDO:0007552, OMIM 131850, HP:0012221.
Dominant dystrophic epidermolysis bullosa with absence of skin. Also called: EPIDERMOLYSIS BULLOSA WITH CONGENITAL LOCALIZED ABSENCE OF SKIN AND DEFORMITY OF NAILS; EPIDERMOLYSIS BULLOSA DYSTROPHICA, BART TYPE. Identifiers: MedGen C0268371, MONDO:0007557, OMIM 132000.
Transient bullous dermolysis of the newborn (TBDN). Also called: DYSTROPHIC EPIDERMOLYSIS BULLOSA, NEONATAL; EPIDERMOLYSIS BULLOSA DYSTROPHICA, NEONATAL FORM. Identifiers: Orphanet 79411, MedGen C1851573, MONDO:0007548, OMIM 131705.
COL7A1-related disorder. Also called: COL7A1-related condition; COL7A1- related disorders.
Epidermolysis bullosa dystrophica. Also called: Dystrophic epidermolysis bullosa, Hallopeau-Siemens type (formerly); Dystrophic epidermolysis bullosa. Identifiers: Orphanet 303, MedGen C0079294, MONDO:0006543.

Allele frequency attached by ClinVar (database versions not stated): gnomAD 0.00005 and 0.00004; gnomAD exomes 0.00005 and 0.00003; ExAC 0.00008; TOPMed 0.00004.
gnomAD v4.1: 45 of 1,607,222 alleles (0.0028%); highest among the groups gnomAD compares: Admixed American, 0.012%; no homozygotes.

Submissions (7):

Myriad Genetics, Inc.
Classification: Uncertain significance for Recessive dystrophic epidermolysis bullosa. Last evaluated: 2026-07-02. Review status: criteria provided, single submitter. Criteria: Myriad Autosomal Dominant, Autosomal Recessive and X-Linked Classification Criteria (2023). Collection method: clinical testing. Allele origin: unknown.
Comment: NM_000094.3(COL7A1):c.8206G>A(E2736K) is a missense variant classified as a variant of uncertain significance in the context of dystrophic epidermolysis bullosa. E2736K has been observed in cases with relevant disease (PMID: 18565177, 40701620). Relevant functional assessments of this variant are not available in the literature. E2736K has been observed in referenced population frequency databases. In summary, there is insufficient evidence to classify NM_000094.3(COL7A1):c.8206G>A(E2736K) as pathogenic or benign. Please note: this variant was assessed in the context of healthy population screening.

Labcorp Genetics (formerly Invitae), Labcorp
Classification: Pathogenic. Last evaluated: 2026-01-18. Review status: criteria provided, single submitter. Criteria: Invitae Variant Classification Sherloc (09022015). Collection method: clinical testing. Allele origin: germline.
Comment: This sequence change replaces glutamic acid, which is acidic and polar, with lysine, which is basic and polar, at codon 2736 of the COL7A1 protein (p.Glu2736Lys). This variant is present in population databases (rs779942952, gnomAD 0.01%). This missense change has been observed in individual(s) with clinical features of autosomal recessive dystrophic epidermolysis bullosa (PMID: 18565177; internal data). In at least one individual the data is consistent with being in trans (on the opposite chromosome) from a pathogenic variant. ClinVar contains an entry for this variant (Variation ID: 632419). Invitae Evidence Modeling of protein sequence and biophysical properties (such as structural, functional, and spatial information, amino acid conservation, physicochemical variation, residue mobility, and thermodynamic stability) indicates that this missense variant is not expected to disrupt COL7A1 protein function with a negative predictive value of 95%. For these reasons, this variant has been classified as Pathogenic.

GeneDx
Classification: Uncertain significance. Last evaluated: 2025-12-19. Review status: criteria provided, single submitter. Criteria: GeneDx Variant Classification Process June 2021. Collection method: clinical testing. Allele origin: germline.
Comment: In silico analysis suggests that this missense variant does not alter protein structure/function; This variant is associated with the following publications: (PMID: 34426522, 18565177, 40701620)

Fulgent Genetics
Classification: Likely pathogenic for Transient bullous dermolysis of the newborn; Generalized dominant dystrophic epidermolysis bullosa; Pretibial dystrophic epidermolysis bullosa; Dominant dystrophic epidermolysis bullosa with absence of skin; Recessive dystrophic epidermolysis bullosa; Epidermolysis bullosa pruriginosa; Nonsyndromic congenital nail disorder 8. Last evaluated: 2024-06-11. Review status: criteria provided, single submitter. Criteria: ACMG Guidelines, 2015. Collection method: clinical testing. Allele origin: germline.

Blueprint Genetics
Classification: Likely pathogenic for COL7A1-related disorders. Last evaluated: 2023-03-31. Review status: criteria provided, single submitter. Criteria: ACMG Guidelines, 2015. Collection method: clinical testing. Allele origin: germline. Affected: yes. Observed: 4 variant alleles.

Biomedical Innovation Departament, CIEMAT
Classification: Pathogenic for Dystrophic epidermolysis bullosa. Last evaluated: 2018-12-01. Review status: criteria provided, single submitter. Criteria: ACMG Guidelines, 2015. Collection method: research. Allele origin: germline. Affected: yes. Observed: 3 variant alleles.

PreventionGenetics, part of Exact Sciences
Classification: Uncertain significance for COL7A1-related condition. Last evaluated: 2024-01-05. Review status: no assertion criteria provided. Collection method: clinical testing. Allele origin: germline. Not counted in ClinVar's aggregate classification.
Comment: The COL7A1 c.8206G>A variant is predicted to result in the amino acid substitution p.Glu2736Lys. This variant has been reported in an individual with dystrophic epidermolysis bullosa pruriginosa (Schumann et al. 2008. PubMed ID: 18565177). This variant is reported in 0.015% of alleles in individuals of Latino descent in gnomAD. At this time, the clinical significance of this variant is uncertain due to the absence of conclusive functional and genetic evidence.

Literature cited by the submitters: PubMed 18565177 (cited by Myriad Genetics, Inc. and Labcorp Genetics (formerly Invitae), Labcorp); PubMed 40701620 (cited by Myriad Genetics, Inc.); PubMed 29427316 (cited by Biomedical Innovation Departament, CIEMAT).

NM_000094.4(COL7A1):c.8206G>A (p.Glu2736Lys)

Gene: COL7A1 (collagen type VII alpha 1 chain; minus strand). Cytogenetic location: 3p21.31.
Variant type: single nucleotide variant.
Coding change: c.8206G>A on transcript NM_000094.4 (MANE Select); coding-DNA position 8206, G replaced by A.
Protein change: p.Glu2736Lys; replaces glutamic acid 2736 with lysine.
Molecular consequence: missense variant.
Genome position (GRCh38, 1-based): chr3:48,566,927, C>T on the plus strand (G>A on the coding strand, the complement: COL7A1 is on the minus strand). VCF-style: chr3-48566927-C-T. GRCh37 (hg19) VCF-style: chr3-48604360-C-T.
Other names: short protein forms E2736K.
Identifiers: ClinVar variation 632419 (VCV000632419.17), dbSNP rs779942952, ClinGen allele CA2378129.